The following is an entry in ClinVar:

NM_016203.4(PRKAG2):c.807G>A (p.Lys269=)

Gene: PRKAG2 (protein kinase AMP-activated non-catalytic subunit gamma 2; minus strand). Cytogenetic location: 7q36.1.
Variant type: single nucleotide variant.
Coding change: c.807G>A on transcript NM_016203.4 (MANE Select); coding-DNA position 807, G replaced by A.
Protein change: p.Lys269=; no amino-acid change (lysine 269 retained).
Molecular consequence: synonymous variant.
Genome position (GRCh38, 1-based): chr7:151,595,402, C>T on the plus strand (G>A on the coding strand, the complement: PRKAG2 is on the minus strand). VCF-style: chr7-151595402-C-T. GRCh37 (hg19) VCF-style: chr7-151292488-C-T.
Other names: c.675G>A, p.Lys225= (NM_001040633.2); c.432G>A, p.Lys144= (NM_001304527.2); c.84G>A, p.Lys28= (NM_001304531.2, NM_024429.2); c.435G>A, p.Lys145= (NM_001363698.2).
Identifiers: ClinVar variation 179091 (VCV000179091.16), dbSNP rs727504618, ClinGen allele CA014547.

ClinVar aggregate classification (germline): Likely benign. Review status: criteria provided, multiple submitters, no conflicts (2 of 4 stars). 5 submissions from 5 submitters: Likely benign (5). Last evaluated 2024-11-13.

Conditions:
Cardiovascular phenotype. Identifiers: MedGen CN230736.
Cardiomyopathy (CMYO). Also called: Cardiomyopathies. Identifiers: Orphanet 167848, MedGen C0878544, MONDO:0004994, HP:0001638. Inheritance: Various modes of inheritance.
Lethal congenital glycogen storage disease of heart. Also called: GLYCOGEN STORAGE DISEASE OF HEART; PHOSPHORYLASE KINASE DEFICIENCY OF HEART. Identifiers: Orphanet 439854, MedGen C1849813, MONDO:0009867, OMIM 261740.
Hypertrophic cardiomyopathy. Also called: HYPERTROPHIC MYOCARDIOPATHY. Identifiers: Orphanet 217569, MedGen C0007194, MeSH D002312, MONDO:0005045, HP:0001639.

Allele frequency attached by ClinVar (database versions not stated): TOPMed 0.00001.
gnomAD v4.1: 8 of 1,614,042 alleles (0.0005%); highest among the groups gnomAD compares: Admixed American, 0.0033%; no homozygotes.

Submissions (5):

Ambry Genetics
Classification: Likely benign for Cardiovascular phenotype. Last evaluated: 2024-11-13. Review status: criteria provided, single submitter. Criteria: Ambry Variant Classification Scheme 2023. Collection method: clinical testing. Allele origin: germline.

Labcorp Genetics (formerly Invitae), Labcorp
Classification: Likely benign for Lethal congenital glycogen storage disease of heart. Last evaluated: 2024-02-17. Review status: criteria provided, single submitter. Criteria: Invitae Variant Classification Sherloc (09022015). Collection method: clinical testing. Allele origin: germline.

All of Us Research Program, National Institutes of Health
Classification: Likely benign for Hypertrophic cardiomyopathy. Last evaluated: 2023-05-30. Review status: criteria provided, single submitter. Criteria: ACMG Guidelines, 2015. Collection method: clinical testing. Allele origin: germline. Inheritance: Autosomal dominant inheritance. Observed: 1 variant allele, 1 heterozygote.
Comment: This study involves interpretation of variants in research participants for the purpose of population health screening. Participant phenotype was not available at the time of variant classification. Additional details can be found in publication PMID: 35346344, PMCID: PMC8962531

Color Diagnostics, LLC DBA Color Health
Classification: Likely benign for Cardiomyopathy. Last evaluated: 2019-08-02. Review status: criteria provided, single submitter. Criteria: ACMG Guidelines, 2015. Collection method: clinical testing. Allele origin: germline.

Laboratory for Molecular Medicine, Mass General Brigham Personalized Medicine
Classification: Likely benign. Last evaluated: 2013-07-29. Review status: criteria provided, single submitter. Criteria: LMM Criteria. Collection method: clinical testing. Allele origin: germline. Observed: 1 variant allele.
Comment: Lys269Lys in exon 6 of PRKAG2: This variant is not expected to have clinical sig nificance because it does not alter an amino acid residue and is not located wit hin the splice consensus sequence. Lys269Lys in exon 6 of PRKAG2 (allele freque ncy = n/a)